The following is an entry in ClinVar:

ClinVar aggregate classification (germline): Uncertain significance (1 of 4 stars; one submission).

Submission:

Dasa
Classification: Uncertain significance. Last evaluated: 2025-11-19. Review status: criteria provided, single submitter. Criteria: DASA Assertion Criteria. Collection method: clinical testing. Allele origin: germline.
Comment: NM_001122659.3(EDNRB):c.1034T>C (p.Leu345Pro) is a missense variant that results in the substitution of leucine with proline. The affected residue or protein region has prior evidence supporting clinical relevance. This variant is absent from population databases. Computational prediction algorithms are consistent with a deleterious effect. The currently available literature and clinical evidence are not sufficient to establish a definitive association between this variant and the reported condition. Therefore, this variant is classified as a variant of uncertain significance.

NM_001122659.3(EDNRB):c.1034T>C (p.Leu345Pro)

Genes: EDNRB (endothelin receptor type B; minus strand), EDNRB-AS1 (EDNRB antisense RNA 1; plus strand). Cytogenetic location: 13q22.3.
Variant type: single nucleotide variant.
Coding change: c.1034T>C on transcript NM_001122659.3 (MANE Select); coding-DNA position 1034, T replaced by C.
Protein change: p.Leu345Pro; replaces leucine 345 with proline.
Molecular consequence: missense variant.
Genome position (GRCh38, 1-based): chr13:77,900,572, A>G on the plus strand (T>C on the coding strand, the complement: EDNRB is on the minus strand). VCF-style: chr13-77900572-A-G. GRCh37 (hg19) VCF-style: chr13-78474707-A-G.
Other names: c.1034T>C, p.Leu345Pro (NM_000115.5, NM_003991.4); c.1304T>C, p.Leu435Pro (NM_001201397.2); short protein forms L345P, L435P.
Identifiers: ClinVar variation 4882892 (VCV004882892.2).